The following is an entry in ClinVar:

NM_007227.3(GPR45):c.615C>T (p.Phe205=)

Gene: GPR45 (G protein-coupled receptor 45; plus strand). Cytogenetic location: 2q12.1.
Variant type: single nucleotide variant.
Coding change: c.615C>T on transcript NM_007227.3 (MANE Select); coding-DNA position 615, C replaced by T.
Protein change: p.Phe205=; no amino-acid change (phenylalanine 205 retained).
Molecular consequence: synonymous variant.
Genome position (GRCh38, 1-based): chr2:105,242,473, C>T. VCF-style: chr2-105242473-C-T. GRCh37 (hg19) VCF-style: chr2-105858930-C-T.
Identifiers: ClinVar variation 3698054 (VCV003698054.2), dbSNP rs267598822.
Genomic context (GRCh38, chr2:105,242,473, plus strand): 5'-CTACACGGAGCTCCCCGCTGACCGCGCCTACGTGGTCACCTTGGTGGTGGCCGTGTTCTT[C>T]GCGCCCTTTGGCGTCATGCTGTGCGCCTACATGTGCATCCTCAACACGGTCCGCAAGAAC-3'
Protein context (NP_009158.3, residues 195-215): YVVTLVVAVF[Phe205=]APFGVMLCAY

ClinVar aggregate classification (germline): Uncertain significance (1 of 4 stars; one submission).

Submission:

Labcorp Genetics (formerly Invitae), Labcorp
Classification: Uncertain significance. Last evaluated: 2025-01-29. Review status: criteria provided, single submitter. Criteria: Invitae Variant Classification Sherloc (09022015). Collection method: clinical testing. Allele origin: germline.
Comment: This sequence change affects codon 205 of the GPR45 mRNA. It is a 'silent' change, meaning that it does not change the encoded amino acid sequence of the GPR45 protein. The frequency data for this variant in the population databases is considered unreliable, as metrics indicate poor data quality at this position in the gnomAD database. This variant has not been reported in the literature in individuals affected with GPR45-related conditions. In summary, the available evidence is currently insufficient to determine the role of this variant in disease. Therefore, it has been classified as a Variant of Uncertain Significance.